The following is an entry in ClinVar:

ClinVar aggregate classification (germline): Uncertain significance (1 of 4 stars; one submission).

Allele frequency attached by ClinVar (database versions not stated): TOPMed below 0.00001.

Submission:

GeneDx
Classification: Uncertain significance. Last evaluated: 2022-04-06. Review status: criteria provided, single submitter. Criteria: GeneDx Variant Classification Process June 2021. Collection method: clinical testing. Allele origin: germline. Affected: yes.
Comment: Not observed at significant frequency in large population cohorts (gnomAD); In silico analysis supports that this missense variant does not alter protein structure/function; Has not been previously published as pathogenic or benign to our knowledge

NM_021625.5(TRPV4):c.243C>A (p.Asn81Lys)

Gene: TRPV4 (transient receptor potential cation channel subfamily V member 4; minus strand). Cytogenetic location: 12q24.11.
Variant type: single nucleotide variant.
Coding change: c.243C>A on transcript NM_021625.5 (MANE Select); coding-DNA position 243, C replaced by A.
Protein change: p.Asn81Lys; replaces asparagine 81 with lysine.
Molecular consequence: missense variant.
Genome position (GRCh38, 1-based): chr12:109,814,554, G>T on the plus strand (C>A on the coding strand, the complement: TRPV4 is on the minus strand). VCF-style: chr12-109814554-G-T. GRCh37 (hg19) VCF-style: chr12-110252359-G-T.
Other names: c.243C>A, p.Asn81Lys (NM_001177428.2, NM_001177433.2, NM_147204.3); c.141C>A, p.Asn47Lys (NM_001177431.2); short protein forms N47K, N81K.
Identifiers: ClinVar variation 1708865 (VCV001708865.2), dbSNP rs1376551844, ClinGen allele CA386660522.
Genomic context (GRCh38, chr12:109,814,554, plus strand): 5'-TTTCTTGGGCCCAGGCACCACCGAGGACTCATATAGGGTGGACTCCAGCAGATCGATGGG[G>T]TTGGGCACCCCCTTGCGGAAGGCGCCCTGGAACTTCATGCGCAGATTTGGTCGCCCATCG-3'
Protein context (NP_067638.3, residues 71-91): FQGAFRKGVP[Asn81Lys]PIDLLESTLY